The following is an entry in ClinVar:

NM_020366.4(RPGRIP1):c.2087A>C (p.Glu696Ala)

Gene: RPGRIP1 (RPGR interacting protein 1; plus strand). Cytogenetic location: 14q11.2.
Variant type: single nucleotide variant.
Coding change: c.2087A>C on transcript NM_020366.4 (MANE Select); coding-DNA position 2087, A replaced by C.
Protein change: p.Glu696Ala; replaces glutamic acid 696 with alanine.
Molecular consequence: missense variant. On other transcripts: intron variant (4).
Genome position (GRCh38, 1-based): chr14:21,324,942, A>C. VCF-style: chr14-21324942-A-C. GRCh37 (hg19) VCF-style: chr14-21793101-A-C.
Other names: c.1013A>C, p.Glu338Ala (NM_001377948.1); c.796+217A>C (NM_001377949.1); c.689-2681A>C (NM_001377523.1, NM_001377950.1); c.191-2681A>C (NM_001377951.1); short protein forms E338A, E696A.
Identifiers: ClinVar variation 2068787 (VCV002068787.4), dbSNP rs2502813381, ClinGen allele CA388867889.

ClinVar aggregate classification (germline): Uncertain significance (1 of 4 stars; one submission).

Conditions:
Cone-rod dystrophy 13 (CORD13). Identifiers: Orphanet 1872, MedGen C2750720, MONDO:0011987, OMIM 608194.
Leber congenital amaurosis 6 (LCA6). Identifiers: Orphanet 65, MedGen C1854260, MONDO:0013446, OMIM 613826.

Allele frequency attached by ClinVar (database versions not stated): gnomAD exomes below 0.00001.
gnomAD v4.1: 1 of 1,614,026 alleles (0.000062%); highest among the groups gnomAD compares: Non-Finnish European, 0.000085%; no homozygotes.

Submission:

Labcorp Genetics (formerly Invitae), Labcorp
Classification: Uncertain significance for Leber congenital amaurosis 6; Cone-rod dystrophy 13. Last evaluated: 2022-09-06. Review status: criteria provided, single submitter. Criteria: Invitae Variant Classification Sherloc (09022015). Collection method: clinical testing. Allele origin: germline.
Comment: In summary, the available evidence is currently insufficient to determine the role of this variant in disease. Therefore, it has been classified as a Variant of Uncertain Significance. Algorithms developed to predict the effect of missense changes on protein structure and function (SIFT, PolyPhen-2, Align-GVGD) all suggest that this variant is likely to be tolerated. This variant has not been reported in the literature in individuals affected with RPGRIP1-related conditions. This variant is not present in population databases (gnomAD no frequency). This sequence change replaces glutamic acid, which is acidic and polar, with alanine, which is neutral and non-polar, at codon 696 of the RPGRIP1 protein (p.Glu696Ala).